The following is an entry in ClinVar:

ClinVar aggregate classification (germline): Likely pathogenic (1 of 4 stars; one submission).

Conditions:
Biotinidase deficiency. Also called: BTD deficiency; Late-onset biotin-responsive multiple carboxylase deficiency; Biotin deficiency. Identifiers: Orphanet 79241, MedGen C0220754, MONDO:0009665, OMIM 253260.

Allele frequency attached by ClinVar (database versions not stated): gnomAD exomes below 0.00001.
gnomAD v4.1: 1 of 1,614,212 alleles (0.000062%); highest among the groups gnomAD compares: East Asian, 0.0022%; no homozygotes.

Submission:

Labcorp Genetics (formerly Invitae), Labcorp
Classification: Likely pathogenic for Biotinidase deficiency. Last evaluated: 2024-01-08. Review status: criteria provided, single submitter. Criteria: Invitae Variant Classification Sherloc (09022015). Collection method: clinical testing. Allele origin: germline.
Comment: This sequence change replaces valine, which is neutral and non-polar, with methionine, which is neutral and non-polar, at codon 97 of the BTD protein (p.Val97Met). This variant is not present in population databases (gnomAD no frequency). This missense change has been observed in individual(s) with biotinidase deficiency (PMID: 10400129). Advanced modeling of protein sequence and biophysical properties (such as structural, functional, and spatial information, amino acid conservation, physicochemical variation, residue mobility, and thermodynamic stability) performed at Invitae indicates that this missense variant is expected to disrupt BTD protein function with a positive predictive value of 95%. In summary, the currently available evidence indicates that the variant is pathogenic, but additional data are needed to prove that conclusively. Therefore, this variant has been classified as Likely Pathogenic.

Literature cited by the submitters: PubMed 10400129.

NM_001370658.1(BTD):c.229G>A (p.Val77Met)

Gene: BTD (biotinidase; plus strand). Cytogenetic location: 3p25.1.
Variant type: single nucleotide variant.
Coding change: c.229G>A on transcript NM_001370658.1 (MANE Select); coding-DNA position 229, G replaced by A.
Protein change: p.Val77Met; replaces valine 77 with methionine.
Molecular consequence: missense variant.
Genome position (GRCh38, 1-based): chr3:15,635,668, G>A. VCF-style: chr3-15635668-G-A. GRCh37 (hg19) VCF-style: chr3-15677175-G-A.
Other names: c.229G>A, p.Val77Met (NM_001407400.1, NM_001407401.1, NM_001281723.4 and 37 more transcripts); c.289G>A, p.Val97Met (NM_000060.4); short protein forms V77M, V97M.
Identifiers: ClinVar variation 2734448 (VCV002734448.3), dbSNP rs1559592900, ClinGen allele CA351604118.